The following is an entry in ClinVar:

NM_201596.3(CACNB2):c.1744T>C (p.Tyr582His)

Gene: CACNB2 (calcium voltage-gated channel auxiliary subunit beta 2; plus strand). Cytogenetic location: 10p12.31.
Variant type: single nucleotide variant.
Coding change: c.1744T>C on transcript NM_201596.3 (MANE Select); coding-DNA position 1744, T replaced by C.
Protein change: p.Tyr582His; replaces tyrosine 582 with histidine.
Molecular consequence: missense variant.
Genome position (GRCh38, 1-based): chr10:18,539,485, T>C. VCF-style: chr10-18539485-T-C. GRCh37 (hg19) VCF-style: chr10-18828414-T-C.
Other names: c.1582T>C (NM_201590.2); c.1579T>C, p.Tyr527His (NM_000724.4); c.1546T>C, p.Tyr516His (NM_001167945.2); c.1465T>C, p.Tyr489His (NM_001330060.2); c.1486T>C, p.Tyr496His (NM_001410882.1); c.1600T>C, p.Tyr534His (NM_201570.3); c.1660T>C, p.Tyr554His (NM_201571.4); c.1588T>C, p.Tyr530His (NM_201572.4); and 3 more; short protein forms Y489H, Y530H, Y534H, Y582H, Y527H, Y554H, Y558H, Y496H.
Identifiers: ClinVar variation 2145328 (VCV002145328.5), dbSNP rs2053933764, ClinGen allele CA376071989.
Genomic context (GRCh38, chr10:18,539,485, plus strand): 5'-AGTCGAGACTCTGCCTACGTAGAGCCAAAGGAAGATTATTCCCATGACCACGTGGACCAC[T>C]ATGCCTCACACCGTGACCACAACCACAGAGACGAGACCCACGGGAGCAGTGACCACAGAC-3'
Protein context (NP_963890.2, residues 572-592): EDYSHDHVDH[Tyr582His]ASHRDHNHRD

ClinVar aggregate classification (germline): Uncertain significance. Review status: criteria provided, multiple submitters, no conflicts (2 of 4 stars). 2 submissions from 2 submitters: Uncertain significance (2). Last evaluated 2024-10-06.

Conditions:
Cardiovascular phenotype. Identifiers: MedGen CN230736.
Brugada syndrome 4 (BRGDA4). Identifiers: Orphanet 130, MedGen C2678477, MONDO:0012743, OMIM 611876.

gnomAD v4.1: 6 of 1,613,788 alleles (0.00037%); highest among the groups gnomAD compares: South Asian, 0.0022%; no homozygotes.

Submissions (2):

Ambry Genetics
Classification: Uncertain significance for Cardiovascular phenotype. Last evaluated: 2024-10-06. Review status: criteria provided, single submitter. Criteria: Ambry Variant Classification Scheme 2023. Collection method: clinical testing. Allele origin: germline.

Labcorp Genetics (formerly Invitae), Labcorp
Classification: Uncertain significance for Brugada syndrome 4. Last evaluated: 2024-01-09. Review status: criteria provided, single submitter. Criteria: Invitae Variant Classification Sherloc (09022015). Collection method: clinical testing. Allele origin: germline.
Comment: This sequence change replaces tyrosine, which is neutral and polar, with histidine, which is basic and polar, at codon 528 of the CACNB2 protein (p.Tyr528His). This variant is not present in population databases (gnomAD no frequency). This variant has not been reported in the literature in individuals affected with CACNB2-related conditions. ClinVar contains an entry for this variant (Variation ID: 2145328). Advanced modeling of protein sequence and biophysical properties (such as structural, functional, and spatial information, amino acid conservation, physicochemical variation, residue mobility, and thermodynamic stability) performed at Invitae indicates that this missense variant is not expected to disrupt CACNB2 protein function with a negative predictive value of 80%. In summary, the available evidence is currently insufficient to determine the role of this variant in disease. Therefore, it has been classified as a Variant of Uncertain Significance.